The following is an entry in ClinVar:

ClinVar aggregate classification (germline): Uncertain significance (1 of 4 stars; one submission).

Submission:

GeneDx
Classification: Uncertain significance. Last evaluated: 2023-01-04. Review status: criteria provided, single submitter. Criteria: GeneDx Variant Classification Process June 2021. Collection method: clinical testing. Allele origin: germline. Affected: yes.
Comment: In-frame deletion of 7 amino acids; In silico analysis supports a deleterious effect on protein structure/function; Has not been previously published as pathogenic or benign to our knowledge

NM_000937.5(POLR2A):c.5779_5799del (p.Thr1929_Pro1935del)

Gene: POLR2A (RNA polymerase II subunit A; plus strand). Cytogenetic location: 17p13.1.
Variant type: Deletion.
Coding change: c.5779_5799del on transcript NM_000937.5 (MANE Select); coding-DNA positions 5779 to 5799, 21 bases deleted (AGCCCCACCTACTCGCCCACC).
Protein change: p.Thr1929_Pro1935del.
Molecular consequence: inframe deletion.
Genome position (GRCh38, 1-based): chr17:7,514,045-7,514,065, AGCCCCACCTACTCGCCCACC deleted; deleting any 21 consecutive bases within chr17:7,514,033-7,514,065 gives the same sequence; the c. name uses the placement nearest the transcript's 3' end. VCF-style (leftmost placement, unchanged base first): chr17-7514032-GTACTCGCCCACCAGCCCCACC-G. GRCh37 (hg19) VCF-style: chr17-7417349-GTACTCGCCCACCAGCCCCACC-G.
Identifiers: ClinVar variation 2571671 (VCV002571671.1), dbSNP rs776218870, ClinGen allele CA919785173.